The following is an entry in ClinVar:

NM_016734.3(PAX5):c.647G>A (p.Gly216Asp)

Gene: PAX5 (paired box 5; minus strand). Cytogenetic location: 9p13.2.
Variant type: single nucleotide variant.
Coding change: c.647G>A on transcript NM_016734.3 (MANE Select); coding-DNA position 647, G replaced by A.
Protein change: p.Gly216Asp; replaces glycine 216 with aspartic acid.
Molecular consequence: missense variant. On other transcripts: non-coding transcript variant (2).
Genome position (GRCh38, 1-based): chr9:36,966,682, C>T on the plus strand (G>A on the coding strand, the complement: PAX5 is on the minus strand). VCF-style: chr9-36966682-C-T. GRCh37 (hg19) VCF-style: chr9-36966679-C-T.
Other names: c.647G>A, p.Gly216Asp (NM_001280548.2, NM_001280549.2, NM_001280550.2 and 2 more transcripts); c.323G>A, p.Gly108Asp (NM_001280551.2, NM_001280556.2); c.518G>A, p.Gly173Asp (NM_001280553.2, NM_001280554.2); c.449G>A, p.Gly150Asp (NM_001280555.2); short protein forms G108D, G150D, G173D, G216D.
Identifiers: ClinVar variation 5026310 (VCV005026310.1).

ClinVar aggregate classification (germline): Uncertain significance (1 of 4 stars; one submission).

Conditions:
Inborn genetic diseases. Identifiers: MedGen C0950123, MeSH D030342.

gnomAD v4.1: 1 of 1,614,198 alleles (0.000062%); highest among the groups gnomAD compares: Non-Finnish European, 0.000085%; no homozygotes.

Submission:

Ambry Genetics
Classification: Uncertain significance for Inborn genetic diseases. Last evaluated: 2026-08-03. Review status: criteria provided, single submitter. Criteria: Ambry Variant Classification Scheme 2023. Collection method: clinical testing. Allele origin: germline.
Comment: The p.G216D variant (also known as c.647G>A), located in coding exon 6 of the PAX5 gene, results from a G to A substitution at nucleotide position 647. The glycine at codon 216 is replaced by aspartic acid, an amino acid with similar properties. This amino acid position is conserved. In addition, this alteration is predicted to be deleterious by in silico analysis. Based on the available evidence, the clinical significance of this variant remains unclear.